The following is an entry in ClinVar:

ClinVar aggregate classification (germline): Uncertain significance. Review status: criteria provided, multiple submitters, no conflicts (2 of 4 stars). 2 submissions from 2 submitters: Uncertain significance (2). Last evaluated 2022-08-09.

Conditions:
Inborn genetic diseases. Identifiers: MedGen C0950123, MeSH D030342.
Vici syndrome (VICIS). Identifiers: Orphanet 1493, MedGen C1855772, MONDO:0009452, OMIM 242840.

Allele frequency attached by ClinVar (database versions not stated): ExAC 0.00001; gnomAD exomes 0.00001 and 0.00002; gnomAD 0.00002; TOPMed 0.00003.
gnomAD v4.1: 26 of 1,598,782 alleles (0.0016%); highest among the groups gnomAD compares: Non-Finnish European, 0.0022%; no homozygotes.

Submissions (2):

Labcorp Genetics (formerly Invitae), Labcorp
Classification: Uncertain significance for Vici syndrome. Last evaluated: 2022-08-09. Review status: criteria provided, single submitter. Criteria: Invitae Variant Classification Sherloc (09022015). Collection method: clinical testing. Allele origin: germline.
Comment: This sequence change replaces proline, which is neutral and non-polar, with leucine, which is neutral and non-polar, at codon 2211 of the EPG5 protein (p.Pro2211Leu). This variant is present in population databases (rs769830823, gnomAD 0.002%). This variant has not been reported in the literature in individuals affected with EPG5-related conditions. ClinVar contains an entry for this variant (Variation ID: 1401345). Algorithms developed to predict the effect of missense changes on protein structure and function are either unavailable or do not agree on the potential impact of this missense change (SIFT: "Tolerated"; PolyPhen-2: "Probably Damaging"; Align-GVGD: "Class C0"). In summary, the available evidence is currently insufficient to determine the role of this variant in disease. Therefore, it has been classified as a Variant of Uncertain Significance.

Ambry Genetics
Classification: Uncertain significance for Inborn genetic diseases. Last evaluated: 2022-07-26. Review status: criteria provided, single submitter. Criteria: Ambry Variant Classification Scheme 2023. Collection method: clinical testing. Allele origin: germline.

NM_020964.3(EPG5):c.6632C>T (p.Pro2211Leu)

Gene: EPG5 (ectopic P-granules 5 autophagy tethering factor; minus strand). Cytogenetic location: 18q12.3.
Variant type: single nucleotide variant.
Coding change: c.6632C>T on transcript NM_020964.3 (MANE Select); coding-DNA position 6632, C replaced by T.
Protein change: p.Pro2211Leu; replaces proline 2211 with leucine.
Molecular consequence: missense variant.
Genome position (GRCh38, 1-based): chr18:45,865,749, G>A on the plus strand (C>T on the coding strand, the complement: EPG5 is on the minus strand). VCF-style: chr18-45865749-G-A. GRCh37 (hg19) VCF-style: chr18-43445714-G-A.
Other names: c.6632C>T (NM_020964.2); short protein forms P2211L.
Identifiers: ClinVar variation 1401345 (VCV001401345.9), dbSNP rs769830823, ClinGen allele CA8948198.